The following is an entry in ClinVar:

NM_001130987.2(DYSF):c.706C>G (p.Arg236Gly)

Gene: DYSF (dysferlin; plus strand). Cytogenetic location: 2p13.2.
Variant type: single nucleotide variant.
Coding change: c.706C>G on transcript NM_001130987.2 (MANE Select); coding-DNA position 706, C replaced by G.
Protein change: p.Arg236Gly; replaces arginine 236 with glycine.
Molecular consequence: missense variant.
Genome position (GRCh38, 1-based): chr2:71,513,868, C>G. VCF-style: chr2-71513868-C-G. GRCh37 (hg19) VCF-style: chr2-71740998-C-G.
Other names: c.613C>G, p.Arg205Gly (NM_001130455.2, NM_001130983.2, NM_001130984.2 and 1 more transcripts); c.610C>G, p.Arg204Gly (NM_001130976.2, NM_001130977.2, NM_001130978.2 and 1 more transcripts); c.703C>G, p.Arg235Gly (NM_001130979.2, NM_001130980.2, NM_001130981.2); c.706C>G, p.Arg236Gly (NM_001130982.2, NM_001130985.2); short protein forms R204G, R205G, R235G, R236G.
Identifiers: ClinVar variation 969577 (VCV000969577.5), dbSNP rs373585652, ClinGen allele CA1705422.
Genomic context (GRCh38, chr2:71,513,868, plus strand): 5'-ACCACCCCAAGGAAACTACCTTCACGTCCTCCGCCCCACTACCCCGGGATCAAAAGAAAG[C>G]GAAGTGCGCCTACATCTAGAAAGCTGCTGTCAGACAAACCGCAGGATTTCCAGGTGATGA-3'
Protein context (NP_001124459.1, residues 226-246): PPHYPGIKRK[Arg236Gly]SAPTSRKLLS

ClinVar aggregate classification (germline): Uncertain significance. Review status: criteria provided, single submitter (1 of 4 stars). 2 submissions from 2 submitters: Uncertain significance (1). 1 of the submissions does not count toward it. Last evaluated 2022-09-01.

Conditions:
Autosomal recessive limb-girdle muscular dystrophy type 2B (LGMDR2). Also called: Limb-Girdle Muscular Dystrophy Type 2B (LGMD2B); MUSCULAR DYSTROPHY, LIMB-GIRDLE, TYPE 3; Limb-girdle muscular dystrophy, type 2B; MUSCULAR DYSTROPHY, LIMB-GIRDLE, AUTOSOMAL RECESSIVE 2. Identifiers: Orphanet 268, MedGen C1850889, MONDO:0009676, OMIM 253601.
Neuromuscular disease caused by qualitative or quantitative defects of dysferlin. Also called: Dysferlinopathy; Qualitative or quantitative defects of dysferlin. Identifiers: Orphanet 207073, MedGen C2931687, MONDO:0016145.

Allele frequency attached by ClinVar (database versions not stated): TOPMed 0.00001.
gnomAD v4.1: 14 of 1,614,206 alleles (0.00087%); highest among the groups gnomAD compares: East Asian, 0.0067%; no homozygotes.

Submissions (2):

Labcorp Genetics (formerly Invitae), Labcorp
Classification: Uncertain significance for Neuromuscular disease caused by qualitative or quantitative defects of dysferlin. Last evaluated: 2022-09-01. Review status: criteria provided, single submitter. Criteria: Invitae Variant Classification Sherloc (09022015). Collection method: clinical testing. Allele origin: germline.
Comment: This sequence change replaces arginine, which is basic and polar, with glycine, which is neutral and non-polar, at codon 204 of the DYSF protein (p.Arg204Gly). This variant is present in population databases (rs373585652, gnomAD 0.006%). This variant has not been reported in the literature in individuals affected with DYSF-related conditions. ClinVar contains an entry for this variant (Variation ID: 969577). Advanced modeling of protein sequence and biophysical properties (such as structural, functional, and spatial information, amino acid conservation, physicochemical variation, residue mobility, and thermodynamic stability) performed at Invitae indicates that this missense variant is not expected to disrupt DYSF protein function. In summary, the available evidence is currently insufficient to determine the role of this variant in disease. Therefore, it has been classified as a Variant of Uncertain Significance.

Natera, Inc.
Classification: Uncertain significance for Limb-girdle muscular dystrophy type 2B. Last evaluated: 2020-06-29. Review status: no assertion criteria provided. Collection method: clinical testing. Allele origin: germline. Not counted in ClinVar's aggregate classification.